The following is an entry in ClinVar:

NM_000326.5(RLBP1):c.305C>G (p.Ala102Gly)

Gene: RLBP1 (retinaldehyde binding protein 1; minus strand). Cytogenetic location: 15q26.1.
Variant type: single nucleotide variant.
Coding change: c.305C>G on transcript NM_000326.5 (MANE Select); coding-DNA position 305, C replaced by G.
Protein change: p.Ala102Gly; replaces alanine 102 with glycine.
Molecular consequence: missense variant.
Genome position (GRCh38, 1-based): chr15:89,217,161, G>C on the plus strand (C>G on the coding strand, the complement: RLBP1 is on the minus strand). VCF-style: chr15-89217161-G-C. GRCh37 (hg19) VCF-style: chr15-89760392-G-C.
Other names: short protein forms A102G.
Identifiers: ClinVar variation 1395378 (VCV001395378.5), dbSNP rs2051587319, ClinGen allele CA393730736.

ClinVar aggregate classification (germline): Uncertain significance (1 of 4 stars; one submission).

Allele frequency attached by ClinVar (database versions not stated): gnomAD 0.00001; TOPMed 0.00001.
gnomAD v4.1: 2 of 1,613,944 alleles (0.00012%); highest among the groups gnomAD compares: Admixed American, 0.0017%; no homozygotes.

Submission:

Labcorp Genetics (formerly Invitae), Labcorp
Classification: Uncertain significance. Last evaluated: 2021-08-31. Review status: criteria provided, single submitter. Criteria: Invitae Variant Classification Sherloc (09022015). Collection method: clinical testing. Allele origin: germline.
Comment: This sequence change replaces alanine with glycine at codon 102 of the RLBP1 protein (p.Ala102Gly). The alanine residue is highly conserved and there is a small physicochemical difference between alanine and glycine. This variant is not present in population databases (ExAC no frequency). This variant has not been reported in the literature in individuals affected with RLBP1-related conditions. Algorithms developed to predict the effect of missense changes on protein structure and function are either unavailable or do not agree on the potential impact of this missense change (SIFT: "Deleterious"; PolyPhen-2: "Probably Damaging"; Align-GVGD: "Class C0"). In summary, the available evidence is currently insufficient to determine the role of this variant in disease. Therefore, it has been classified as a Variant of Uncertain Significance.